The following is an entry in ClinVar:

NM_001199397.3(NEK1):c.2010_2011del (p.Leu670fs)

Gene: NEK1 (NIMA related kinase 1; minus strand). Cytogenetic location: 4q33.
Variant type: Deletion.
Coding change: c.2010_2011del on transcript NM_001199397.3 (MANE Select); coding-DNA positions 2010 to 2011, 2 bases deleted (GG; older notation c.2010_2011delGG).
Protein change: p.Leu670fs; shifts the reading frame from leucine 670.
Molecular consequence: frameshift variant. On other transcripts: non-coding transcript variant (1).
Genome position (GRCh38, 1-based): chr4:169,479,531-169,479,532, CC deleted on the plus strand (GG on the coding strand, the reverse complement: NEK1 is on the minus strand). VCF-style (leftmost placement, unchanged base first): chr4-169479530-ACC-A. GRCh37 (hg19) VCF-style: chr4-170400681-ACC-A.
Other names: c.1878_1879del, p.Leu626fs (NM_001199398.3); c.1719_1720del, p.Leu573fs (NM_001199399.3); c.1794_1795del, p.Leu598fs (NM_001199400.3); c.2010_2011del, p.Leu670fs (NM_001374418.1); c.1926_1927del, p.Leu642fs (NM_001374419.1, NM_012224.4); c.1875_1876del, p.Leu625fs (NM_001374420.1); c.1704_1705del, p.Leu568fs (NM_001374421.1); short protein forms L642fs, L626fs, L670fs, L573fs, L598fs, L625fs, L568fs.
Identifiers: ClinVar variation 2753168 (VCV002753168.3), dbSNP rs2546393018, ClinGen allele CA2697546983.

ClinVar aggregate classification (germline): Pathogenic (1 of 4 stars; one submission).

Conditions:
Short-rib thoracic dysplasia 6 with or without polydactyly (SRTD6). Also called: SHORT-RIB THORACIC DYSPLASIA 6 WITH POLYDACTYLY; SHORT-RIB THORACIC DYSPLASIA 6 WITHOUT POLYDACTYLY; Majewski Syndrome; SHORT RIB-POLYDACTYLY SYNDROME, TYPE IIA; POLYDACTYLY WITH NEONATAL CHONDRODYSTROPHY, TYPE II. Identifiers: MedGen C0024507, MONDO:0009894, OMIM 263520.

Submission:

Labcorp Genetics (formerly Invitae), Labcorp
Classification: Pathogenic for Short-rib thoracic dysplasia 6 with or without polydactyly. Last evaluated: 2023-08-16. Review status: criteria provided, single submitter. Criteria: Invitae Variant Classification Sherloc (09022015). Collection method: clinical testing. Allele origin: germline.
Comment: For these reasons, this variant has been classified as Pathogenic. This variant has not been reported in the literature in individuals affected with NEK1-related conditions. This variant is not present in population databases (gnomAD no frequency). This sequence change creates a premature translational stop signal (p.Leu642Phefs*3) in the NEK1 gene. It is expected to result in an absent or disrupted protein product. Loss-of-function variants in NEK1 are known to be pathogenic (PMID: 22499340, 29068549).

Literature cited by the submitters: PubMed 22499340; PubMed 29068549.